The following is an entry in ClinVar:

ClinVar aggregate classification (germline): Uncertain significance (1 of 4 stars; one submission).

Conditions:
Ulnar-mammary syndrome (UMS). Also called: SCHINZEL SYNDROME; Ulnar-mammary syndrome of Pallister; PALLISTER ULNAR-MAMMARY SYNDROME. Identifiers: Orphanet 3138, MedGen C1866994, MONDO:0008411, OMIM 181450.

Allele frequency attached by ClinVar (database versions not stated): gnomAD 0.00001; ExAC 0.00003.
gnomAD v4.1: 11 of 1,596,480 alleles (0.00069%); highest among the groups gnomAD compares: South Asian, 0.0056%; no homozygotes.

Submission:

Labcorp Genetics (formerly Invitae), Labcorp
Classification: Uncertain significance for Ulnar-mammary syndrome. Last evaluated: 2023-08-09. Review status: criteria provided, single submitter. Criteria: Invitae Variant Classification Sherloc (09022015). Collection method: clinical testing. Allele origin: germline.
Comment: This sequence change replaces threonine, which is neutral and polar, with methionine, which is neutral and non-polar, at codon 379 of the TBX3 protein (p.Thr379Met). This variant is present in population databases (rs746953122, gnomAD 0.01%). This variant has not been reported in the literature in individuals affected with TBX3-related conditions. An algorithm developed to predict the effect of missense changes on protein structure and function (PolyPhen-2) suggests that this variant is likely to be disruptive. In summary, the available evidence is currently insufficient to determine the role of this variant in disease. Therefore, it has been classified as a Variant of Uncertain Significance.

NM_005996.4(TBX3):c.1136C>T (p.Thr379Met)

Gene: TBX3 (T-box transcription factor 3; minus strand). Cytogenetic location: 12q24.21.
Variant type: single nucleotide variant.
Coding change: c.1136C>T on transcript NM_005996.4 (MANE Select); coding-DNA position 1136, C replaced by T.
Protein change: p.Thr379Met; replaces threonine 379 with methionine.
Molecular consequence: missense variant.
Genome position (GRCh38, 1-based): chr12:114,674,739, G>A on the plus strand (C>T on the coding strand, the complement: TBX3 is on the minus strand). VCF-style: chr12-114674739-G-A. GRCh37 (hg19) VCF-style: chr12-115112544-G-A.
Other names: c.1196C>T, p.Thr399Met (NM_016569.4); short protein forms T399M, T379M.
Identifiers: ClinVar variation 2777586 (VCV002777586.3), dbSNP rs746953122, ClinGen allele CA6809987.